The following is an entry in ClinVar:

ClinVar aggregate classification (germline): Likely pathogenic. Review status: criteria provided, multiple submitters, no conflicts (2 of 4 stars). 3 submissions from 3 submitters: Likely pathogenic (3). Last evaluated 2026-05-12.

Conditions:
Dilated cardiomyopathy 1G (CMD1G). Identifiers: Orphanet 154, MedGen C1858763, MONDO:0011400, OMIM 604145.
Autosomal recessive limb-girdle muscular dystrophy type 2J (LGMDR10). Also called: Limb-girdle muscular dystrophy, type 2J; MUSCULAR DYSTROPHY, LIMB-GIRDLE, AUTOSOMAL RECESSIVE 10. Identifiers: Orphanet 140922, MedGen C1837342, MONDO:0012127, OMIM 608807.
Cardiovascular phenotype. Identifiers: MedGen CN230736.

Submissions (3):

Victorian Clinical Genetics Services, Murdoch Childrens Research Institute
Classification: Likely pathogenic for Dilated cardiomyopathy 1G. Last evaluated: 2026-05-12. Review status: criteria provided, single submitter. Criteria: ACMG Guidelines, 2015. Collection method: clinical testing. Allele origin: germline. Affected: yes.
Comment: This variant is classified as Likely pathogenic. Evidence in support of pathogenic classification: Variant is predicted to cause nonsense-mediated decay (NMD) and loss of protein (premature termination codon is located at least 54 nucleotides upstream of the final exon-exon junction); Variant is present in gnomAD <0.01 (v4: 1 heterozygote(s), 0 homozygote(s)); This variant has moderate previous evidence of pathogenicity in unrelated individuals. This variant has been classified as likely pathogenic by clinical laboratories in ClinVar, and reported in the literature in an individual with DCM (PMID: 40364824); Other NMD-predicted variant(s) comparable to the one identified in this case have strong previous evidence for pathogenicity (ClinVar). Additional information: This variant is heterozygous; This gene is associated with both recessive and dominant disease (OMIM); No published evidence of segregation with disease has been identified for this variant; No published functional evidence has been identified for this variant; Variant is located in the annotated A-band and the exon has a PSI score of 100% (PMID: 25589632); Loss of function is a known mechanism of disease in this gene. In addition, dominant negative is also a suggested mechanism (PMID: 25589632); The condition associated with this gene has incomplete penetrance. Variants in this gene that result in a premature termination codon (PTC) are known to have reduced penetrance in DCM (PMID: 25589632); Inheritance information for this variant is not currently available in this individual.

Labcorp Genetics (formerly Invitae), Labcorp
Classification: Likely pathogenic for Dilated cardiomyopathy 1G; Autosomal recessive limb-girdle muscular dystrophy type 2J. Last evaluated: 2026-01-20. Review status: criteria provided, single submitter. Criteria: Invitae Variant Classification Sherloc (09022015). Collection method: clinical testing. Allele origin: germline.
Comment: This sequence change creates a premature translational stop signal (p.Val31247*) in the TTN gene. While this is not anticipated to result in nonsense mediated decay, it is expected to create a truncated TTN protein. This variant is not present in population databases (gnomAD no frequency). This premature translational stop signal has been observed in individual(s) with dilated cardiomyopathy (internal data). ClinVar contains an entry for this variant (Variation ID: 2566351). This variant is located in the A band of TTN (PMID: 25589632). Truncating variants in this region are significantly overrepresented in patients affected with dilated cardiomyopathy (PMID: 25589632). Truncating variants in this region have also been reported in individuals affected with autosomal recessive centronuclear myopathy (PMID: 23975875). In summary, the currently available evidence indicates that the variant is pathogenic, but additional data are needed to prove that conclusively. Therefore, this variant has been classified as Likely Pathogenic.

Ambry Genetics
Classification: Likely pathogenic for Cardiovascular phenotype. Last evaluated: 2023-03-29. Review status: criteria provided, single submitter. Criteria: Ambry Variant Classification Scheme 2023. Collection method: clinical testing. Allele origin: germline.
Comment: The c.66540delC variant, located in coding exon 166 of the TTN gene, results from a deletion of one nucleotide at nucleotide position 66540, causing a translational frameshift with a predicted alternate stop codon (p.V22182*). This exon is located in the A-band region of the N2-B isoform of the titin protein and is constitutively expressed in TTN transcripts (percent spliced in or PSI 100%). This variant is considered to be rare based on population cohorts in the Genome Aggregation Database (gnomAD). This alteration is expected to result in loss of function by premature protein truncation or nonsense-mediated mRNA decay. While truncating variants in TTN are present in 1-3% of the general population, truncating variants in the A-band are the most common cause of dilated cardiomyopathy (DCM) (Herman DS et al. N. Engl. J. Med., 2012 Feb;366:619-28; Roberts AM et al. Sci Transl Med, 2015 Jan;7:270ra6). TTN truncating variants encoded in constitutive exons (PSI >90%) have been found to be significantly associated with DCM regardless of their position in titin (Schafer S et al. Nat. Genet., 2017 01;49:46-53). Based on the majority of available evidence to date, this variant is likely to be pathogenic.

Literature cited by the submitters: PubMed 40364824 (cited by Victorian Clinical Genetics Services, Murdoch Childrens Research Institute); PubMed 25589632 (cited by Victorian Clinical Genetics Services, Murdoch Childrens Research Institute and Labcorp Genetics (formerly Invitae), Labcorp); PubMed 23975875 (cited by Labcorp Genetics (formerly Invitae), Labcorp).

NM_001267550.2(TTN):c.93735del (p.Lys31246_Val31247insTer)

Genes: TTN (titin; minus strand), TTN-AS1 (TTN antisense RNA 1; plus strand). Cytogenetic location: 2q31.2.
Variant type: Deletion.
Coding change: c.93735del on transcript NM_001267550.2 (MANE Select); coding-DNA position 93735, one base deleted (C; older notation c.93735delC).
Protein change: p.Lys31246_Val31247insTer.
Molecular consequence: frameshift variant.
Genome position (GRCh38, 1-based): chr2:178,547,891, G deleted on the plus strand (C on the coding strand, the reverse complement: TTN is on the minus strand); the first of 5 consecutive G bases (chr2:178,547,891-178,547,895); deleting any one gives the same sequence. VCF-style (leftmost placement, unchanged base first): chr2-178547890-TG-T. GRCh37 (hg19) VCF-style: chr2-179412617-TG-T.
Other names: c.88812del, p.Lys29605_Val29606insTer (NM_001256850.1); c.66540del, p.Lys22181_Val22182insTer (NM_003319.4); c.86031del, p.Lys28678_Val28679insTer (NM_133378.4); c.66915del, p.Lys22306_Val22307insTer (NM_133432.3); c.67116del, p.Lys22373_Val22374insTer (NM_133437.4); c.66540delC (NM_003319.4).
Identifiers: ClinVar variation 2566351 (VCV002566351.6), dbSNP rs2469109067, ClinGen allele CA645538447.